The following is an entry in ClinVar:

ClinVar aggregate classification (germline): Uncertain significance (1 of 4 stars; one submission).

Conditions:
Long QT syndrome (LQTS). Identifiers: MedGen C0023976, MeSH D008133, MONDO:0002442. Disease mechanism: loss of function. Inheritance: Various modes of inheritance.

gnomAD v4.1: 1 of 1,613,978 alleles (0.000062%); highest among the groups gnomAD compares: Non-Finnish European, 0.000085%; no homozygotes.

Submission:

Labcorp Genetics (formerly Invitae), Labcorp
Classification: Uncertain significance for Long QT syndrome. Last evaluated: 2025-03-19. Review status: criteria provided, single submitter. Criteria: Invitae Variant Classification Sherloc (09022015). Collection method: clinical testing. Allele origin: germline.
Comment: This sequence change replaces glutamic acid, which is acidic and polar, with glycine, which is neutral and non-polar, at codon 1092 of the CACNA1C protein (p.Glu1092Gly). This variant is not present in population databases (gnomAD no frequency). This variant has not been reported in the literature in individuals affected with CACNA1C-related conditions. Invitae Evidence Modeling of protein sequence and biophysical properties (such as structural, functional, and spatial information, amino acid conservation, physicochemical variation, residue mobility, and thermodynamic stability) has been performed for this missense variant. However, the output from this modeling did not meet the statistical confidence thresholds required to predict the impact of this variant on CACNA1C protein function. In summary, the available evidence is currently insufficient to determine the role of this variant in disease. Therefore, it has been classified as a Variant of Uncertain Significance.

NM_000719.7(CACNA1C):c.3275A>G (p.Glu1092Gly)

Gene: CACNA1C (calcium voltage-gated channel subunit alpha1 C; plus strand). Cytogenetic location: 12p13.33.
Variant type: single nucleotide variant.
Coding change: c.3275A>G on transcript NM_000719.7 (MANE Select); coding-DNA position 3275, A replaced by G.
Protein change: p.Glu1092Gly; replaces glutamic acid 1092 with glycine.
Molecular consequence: missense variant.
Genome position (GRCh38, 1-based): chr12:2,607,049, A>G. VCF-style: chr12-2607049-A-G. GRCh37 (hg19) VCF-style: chr12-2716215-A-G.
Other names: c.3335A>G, p.Glu1112Gly (NM_001129827.2, NM_001129832.2, NM_199460.4); c.3275A>G, p.Glu1092Gly (NM_001129829.2, NM_001129830.3, NM_001129831.2 and 15 more transcripts); c.3266A>G, p.Glu1089Gly (NM_001129844.2); short protein forms E1089G, E1092G, E1112G.
Identifiers: ClinVar variation 4805481 (VCV004805481.1).